The following is an entry in ClinVar:

NM_001018111.3(PODXL):c.1399G>A (p.Val467Ile)

Gene: PODXL (podocalyxin like; minus strand). Cytogenetic location: 7q32.3.
Variant type: single nucleotide variant.
Coding change: c.1399G>A on transcript NM_001018111.3 (MANE Select); coding-DNA position 1399, G replaced by A.
Protein change: p.Val467Ile; replaces valine 467 with isoleucine.
Molecular consequence: missense variant.
Genome position (GRCh38, 1-based): chr7:131,505,948, C>T on the plus strand (G>A on the coding strand, the complement: PODXL is on the minus strand). VCF-style: chr7-131505948-C-T. GRCh37 (hg19) VCF-style: chr7-131190707-C-T.
Other names: c.1399G>A (NM_001018111.2); c.1303G>A, p.Val435Ile (NM_005397.4); short protein forms V435I, V467I.
Identifiers: ClinVar variation 2895833 (VCV002895833.4), dbSNP rs769926911, ClinGen allele CA4488369.

ClinVar aggregate classification (germline): Uncertain significance. Review status: criteria provided, multiple submitters, no conflicts (2 of 4 stars). 2 submissions from 2 submitters: Uncertain significance (2). Last evaluated 2024-07-21.

Conditions:
Inborn genetic diseases. Identifiers: MedGen C0950123, MeSH D030342.

Allele frequency attached by ClinVar (database versions not stated): gnomAD 0.00002; gnomAD exomes 0.00002; TOPMed 0.00002; ExAC 0.00006.
gnomAD v4.1: 33 of 1,606,448 alleles (0.0021%); highest among the groups gnomAD compares: Admixed American, 0.01%; no homozygotes.

Submissions (2):

Labcorp Genetics (formerly Invitae), Labcorp
Classification: Uncertain significance. Last evaluated: 2024-07-21. Review status: criteria provided, single submitter. Criteria: Invitae Variant Classification Sherloc (09022015). Collection method: clinical testing. Allele origin: germline.
Comment: This sequence change replaces valine, which is neutral and non-polar, with isoleucine, which is neutral and non-polar, at codon 435 of the PODXL protein (p.Val435Ile). The frequency data for this variant in the population databases is considered unreliable, as metrics indicate poor data quality at this position in the gnomAD database. This variant has not been reported in the literature in individuals affected with PODXL-related conditions. An algorithm developed to predict the effect of missense changes on protein structure and function (PolyPhen-2) suggests that this variant is likely to be disruptive. In summary, the available evidence is currently insufficient to determine the role of this variant in disease. Therefore, it has been classified as a Variant of Uncertain Significance.

Ambry Genetics
Classification: Uncertain significance for Inborn genetic diseases. Last evaluated: 2023-12-27. Review status: criteria provided, single submitter. Criteria: Ambry Variant Classification Scheme 2023. Collection method: clinical testing. Allele origin: germline.